The following is an entry in ClinVar:

ClinVar aggregate classification (germline): Pathogenic. Review status: criteria provided, multiple submitters, no conflicts (2 of 4 stars). 3 submissions from 3 submitters: Pathogenic (3). Last evaluated 2025-03-27.

Conditions:
Intellectual developmental disorder, X-linked, syndromic, Claes-Jensen type. Also called: Syndromic X-linked intellectual disability Claes-Jensen type; INTELLECTUAL DEVELOPMENTAL DISORDER, X-LINKED, SYNDROMIC 16; MENTAL RETARDATION, X-LINKED, SYNDROMIC 16. Identifiers: Orphanet 85279, MedGen C1845243, MONDO:0010355, OMIM 300534.

Submissions (3):

Greenwood Genetic Center Diagnostic Laboratories, Greenwood Genetic Center
Classification: Pathogenic for Intellectual developmental disorder, X-linked, syndromic, Claes-Jensen type. Last evaluated: 2025-03-27. Review status: criteria provided, single submitter. Criteria: ACMG Guidelines, 2015. Collection method: clinical testing. Allele origin: germline. Affected: yes.
Comment: PVS1, PS4_Moderate, PM2

GeneDx
Classification: Pathogenic. Last evaluated: 2025-01-08. Review status: criteria provided, single submitter. Criteria: GeneDx Variant Classification Process June 2021. Collection method: clinical testing. Allele origin: germline. Affected: yes.
Comment: Nonsense variant predicted to result in protein truncation or nonsense mediated decay in a gene for which loss of function is a known mechanism of disease; Not observed at significant frequency in large population cohorts (gnomAD); This variant is associated with the following publications: (PMID: 24583395, 25525159, 21575681, 31171384, 16541399, 35904121)

Mendelics
Classification: Pathogenic for Intellectual developmental disorder, X-linked, syndromic, Claes-Jensen type. Last evaluated: 2022-05-04. Review status: criteria provided, single submitter. Criteria: Mendelics Assertion Criteria 2019. Collection method: clinical testing. Allele origin: germline.

NM_004187.5(KDM5C):c.994C>T (p.Arg332Ter)

Gene: KDM5C (lysine demethylase 5C; minus strand). Cytogenetic location: Xp11.22.
Variant type: single nucleotide variant.
Coding change: c.994C>T on transcript NM_004187.5 (MANE Select); coding-DNA position 994, C replaced by T.
Protein change: p.Arg332Ter; replaces arginine 332 with a stop codon.
Molecular consequence: nonsense. On other transcripts: non-coding transcript variant (3).
Genome position (GRCh38, 1-based): chrX:53,214,817, G>A on the plus strand (C>T on the coding strand, the complement: KDM5C is on the minus strand). VCF-style: chrX-53214817-G-A. GRCh37 (hg19) VCF-style: chrX-53243999-G-A.
Other names: c.793C>T, p.Arg265Ter (NM_001146702.2); c.991C>T, p.Arg331Ter (NM_001282622.3, NM_001353979.2, NM_001353982.2); c.994C>T, p.Arg332Ter (NM_001353978.3, NM_001353981.2, NM_001353984.2); c.994C>T (NM_004187.2); short protein forms R265*, R331*, R332*.
Identifiers: ClinVar variation 1685906 (VCV001685906.4), dbSNP rs2146934865, ClinGen allele CA413132354.